The following is an entry in ClinVar:

NM_033004.4(NLRP1):c.2206G>A (p.Ala736Thr)

Gene: NLRP1 (NLR family pyrin domain containing 1; minus strand). Cytogenetic location: 17p13.2.
Variant type: single nucleotide variant.
Coding change: c.2206G>A on transcript NM_033004.4 (MANE Select); coding-DNA position 2206, G replaced by A.
Protein change: p.Ala736Thr; replaces alanine 736 with threonine.
Molecular consequence: missense variant.
Genome position (GRCh38, 1-based): chr17:5,558,490, C>T on the plus strand (G>A on the coding strand, the complement: NLRP1 is on the minus strand). VCF-style: chr17-5558490-C-T. GRCh37 (hg19) VCF-style: chr17-5461810-C-T.
Other names: c.2206G>A, p.Ala736Thr (NM_001033053.3, NM_014922.5, NM_033006.4 and 1 more transcripts); short protein forms A736T.
Identifiers: ClinVar variation 2630696 (VCV002630696.3), dbSNP rs1914360993, ClinGen allele CA397382786.

ClinVar aggregate classification (germline): Uncertain significance (0 of 4 stars; one submission).

Conditions:
NLRP1-related disorder. Also called: NLRP1-related condition.

Submission:

PreventionGenetics, part of Exact Sciences
Classification: Uncertain significance for NLRP1-related condition. Last evaluated: 2024-02-07. Review status: no assertion criteria provided. Collection method: clinical testing. Allele origin: germline.
Comment: The NLRP1 c.2206G>A variant is predicted to result in the amino acid substitution p.Ala736Thr. To our knowledge, this variant has not been reported in the literature or in a large population database, indicating this variant is rare. At this time, the clinical significance of this variant is uncertain due to the absence of conclusive functional and genetic evidence.